The following is an entry in ClinVar:

NM_004036.5(ADCY3):c.3122G>A (p.Arg1041His)

Genes: ADCY3 (adenylate cyclase 3; minus strand), CENPO (centromere protein O; plus strand). Cytogenetic location: 2p23.3.
Variant type: single nucleotide variant.
Coding change: c.3122G>A on transcript NM_004036.5 (MANE Select); coding-DNA position 3122, G replaced by A.
Protein change: p.Arg1041His; replaces arginine 1041 with histidine.
Molecular consequence: missense variant. On other transcripts: 3 prime UTR variant (3), non-coding transcript variant (3).
Genome position (GRCh38, 1-based): chr2:24,821,522, C>T on the plus strand (G>A on the coding strand, the complement: ADCY3 is on the minus strand). VCF-style: chr2-24821522-C-T. GRCh37 (hg19) VCF-style: chr2-25044391-C-T.
Other names: c.3122G>A (NM_004036.3); c.3125G>A (NM_001320613.1); c.3125G>A, p.Arg1042His (NM_001320613.2); c.3188G>A, p.Arg1063His (NM_001377128.1); c.2984G>A, p.Arg995His (NM_001377129.1); c.2570G>A, p.Arg857His (NM_001377130.1); c.2399G>A, p.Arg800His (NM_001377131.1); c.3122G>A, p.Arg1041His (NM_001377132.1); and 1 more; short protein forms R1041H, R1042H, R1063H, R800H, R857H, R995H.
Identifiers: ClinVar variation 2431687 (VCV002431687.3), dbSNP rs750100320, ClinGen allele CA43678307.

ClinVar aggregate classification (germline): Uncertain significance. Review status: criteria provided, multiple submitters, no conflicts (2 of 4 stars). 3 submissions from 3 submitters: Uncertain significance (3). Last evaluated 2026-03-20.

Conditions:
ADCY3-related disorder. Also called: ADCY3-related condition.
BODY MASS INDEX QUANTITATIVE TRAIT LOCUS 19 (BMIQ19). Also called: OBESITY (BMIQ19), SUSCEPTIBILITY TO. Identifiers: MedGen C4693522, OMIM 617885.
Inborn genetic diseases. Identifiers: MedGen C0950123, MeSH D030342.

Allele frequency attached by ClinVar (database versions not stated): gnomAD 0.00001.
gnomAD v4.1: 13 of 1,613,868 alleles (0.00081%); highest among the groups gnomAD compares: Admixed American, 0.013%; no homozygotes.

Submissions (3):

PreventionGenetics, part of Exact Sciences
Classification: Uncertain significance for ADCY3-related condition. Last evaluated: 2026-03-20. Review status: criteria provided, single submitter. Criteria: ACMG Guidelines, 2015. Collection method: clinical testing. Allele origin: germline.
Comment: The ADCY3 c.3125G>A variant is predicted to result in the amino acid substitution p.Arg1042His. To our knowledge, this variant has not been reported in the literature. This variant is reported in 0.020% of alleles in individuals of Latino descent in gnomAD. At this time, the clinical significance of this variant is uncertain due to the absence of conclusive functional and genetic evidence.

Ambry Genetics
Classification: Uncertain significance for Inborn genetic diseases. Last evaluated: 2025-06-07. Review status: criteria provided, single submitter. Criteria: Ambry Variant Classification Scheme 2023. Collection method: clinical testing. Allele origin: germline.

Laboratorio de Genetica e Diagnostico Molecular, Hospital Israelita Albert Einstein
Classification: Uncertain significance for BODY MASS INDEX QUANTITATIVE TRAIT LOCUS 19. Last evaluated: 2022-07-01. Review status: criteria provided, single submitter. Criteria: ACMG Guidelines, 2015. Collection method: clinical testing. Allele origin: germline. Affected: yes. Observed: 1 variant allele.
Comment: ACMG classification criteria: PM2 moderated, PP3 supporting